The following is an entry in ClinVar:

ClinVar aggregate classification (germline): Uncertain significance (1 of 4 stars; one submission).

Allele frequency attached by ClinVar (database versions not stated): gnomAD 0.00001; TOPMed 0.00001.
gnomAD v4.1: 2 of 1,596,922 alleles (0.00013%); highest among the groups gnomAD compares: Non-Finnish European, 0.00017%; no homozygotes.

Submission:

GeneDx
Classification: Uncertain significance. Last evaluated: 2022-12-01. Review status: criteria provided, single submitter. Criteria: GeneDx Variant Classification Process June 2021. Collection method: clinical testing. Allele origin: germline. Affected: yes.
Comment: Not observed at significant frequency in large population cohorts (gnomAD); In silico analysis supports that this missense variant does not alter protein structure/function; Has not been previously published as pathogenic or benign to our knowledge

NM_013275.6(ANKRD11):c.5512G>C (p.Val1838Leu)

Gene: ANKRD11 (ankyrin repeat domain containing 11; minus strand). Cytogenetic location: 16q24.3.
Variant type: single nucleotide variant.
Coding change: c.5512G>C on transcript NM_013275.6 (MANE Select); coding-DNA position 5512, G replaced by C.
Protein change: p.Val1838Leu; replaces valine 1838 with leucine.
Molecular consequence: missense variant.
Genome position (GRCh38, 1-based): chr16:89,281,030, C>G on the plus strand (G>C on the coding strand, the complement: ANKRD11 is on the minus strand). VCF-style: chr16-89281030-C-G. GRCh37 (hg19) VCF-style: chr16-89347438-C-G.
Other names: c.5512G>C, p.Val1838Leu (NM_001256182.2, NM_001256183.2); short protein forms V1838L.
Identifiers: ClinVar variation 2504414 (VCV002504414.1), dbSNP rs2034186369, ClinGen allele CA397153909.